The following is an entry in ClinVar:

ClinVar aggregate classification (germline): Uncertain significance (1 of 4 stars; one submission).

Submission:

Labcorp Genetics (formerly Invitae), Labcorp
Classification: Uncertain significance. Last evaluated: 2024-02-09. Review status: criteria provided, single submitter. Criteria: Invitae Variant Classification Sherloc (09022015). Collection method: clinical testing. Allele origin: germline.
Comment: This sequence change replaces glycine, which is neutral and non-polar, with aspartic acid, which is acidic and polar, at codon 311 of the CAMTA1 protein (p.Gly311Asp). This variant is not present in population databases (gnomAD no frequency). This variant has not been reported in the literature in individuals affected with CAMTA1-related conditions. An algorithm developed to predict the effect of missense changes on protein structure and function (PolyPhen-2) suggests that this variant is likely to be disruptive. In summary, the available evidence is currently insufficient to determine the role of this variant in disease. Therefore, it has been classified as a Variant of Uncertain Significance.

NM_015215.4(CAMTA1):c.932G>A (p.Gly311Asp)

Gene: CAMTA1 (calmodulin binding transcription activator 1; plus strand). Cytogenetic location: 1p36.23.
Variant type: single nucleotide variant.
Coding change: c.932G>A on transcript NM_015215.4 (MANE Select); coding-DNA position 932, G replaced by A.
Protein change: p.Gly311Asp; replaces glycine 311 with aspartic acid.
Molecular consequence: missense variant.
Genome position (GRCh38, 1-based): chr1:7,663,479, G>A. VCF-style: chr1-7663479-G-A. GRCh37 (hg19) VCF-style: chr1-7723539-G-A.
Other names: c.842G>A, p.Gly281Asp (NM_001349608.2, NM_001349612.2); c.932G>A, p.Gly311Asp (NM_001349609.2, NM_001349610.2, NM_001410737.1); c.860G>A, p.Gly287Asp (NM_001410738.1); short protein forms G281D, G287D, G311D.
Identifiers: ClinVar variation 3632954 (VCV003632954.2).